The following is an entry in ClinVar:

ClinVar aggregate classification (germline): Likely pathogenic (1 of 4 stars; one submission).

Conditions:
Joubert syndrome. Also called: CEREBELLOPARENCHYMAL DISORDER IV; JOUBERT-BOLTSHAUSER SYNDROME; Familial aplasia of the vermis. Identifiers: Orphanet 475, MedGen C5979921, MONDO:0018772.

Submission:

Labcorp Genetics (formerly Invitae), Labcorp
Classification: Likely pathogenic for Joubert syndrome. Last evaluated: 2023-05-22. Review status: criteria provided, single submitter. Criteria: Invitae Variant Classification Sherloc (09022015). Collection method: clinical testing. Allele origin: germline.
Comment: This sequence change affects an acceptor splice site in intron 1 of the TMEM216 gene. It is expected to disrupt RNA splicing. Variants that disrupt the donor or acceptor splice site typically lead to a loss of protein function (PMID: 16199547), and loss-of-function variants in TMEM216 are known to be pathogenic (PMID: 20512146). This variant is not present in population databases (gnomAD no frequency). This variant has not been reported in the literature in individuals affected with TMEM216-related conditions. ClinVar contains an entry for this variant (Variation ID: 1469730). Algorithms developed to predict the effect of sequence changes on RNA splicing suggest that this variant may disrupt the consensus splice site. In summary, the currently available evidence indicates that the variant is pathogenic, but additional data are needed to prove that conclusively. Therefore, this variant has been classified as Likely Pathogenic.

Literature cited by the submitters: PubMed 16199547; PubMed 20512146.

NM_001173990.3(TMEM216):c.35-1G>A

Gene: TMEM216 (transmembrane protein 216; plus strand). Cytogenetic location: 11q12.2.
Variant type: single nucleotide variant.
Coding change: c.35-1G>A on transcript NM_001173990.3 (MANE Select); the canonical splice acceptor site of the intron before coding-DNA position 35, G replaced by A.
Molecular consequence: splice acceptor variant.
Genome position (GRCh38, 1-based): chr11:61,393,230, G>A. VCF-style: chr11-61393230-G-A. GRCh37 (hg19) VCF-style: chr11-61160702-G-A.
Other names: c.-149-1G>A (NM_016499.6, NM_001330285.2); c.35-1G>A (NM_001173991.3).
Identifiers: ClinVar variation 1469730 (VCV001469730.8), dbSNP rs2135189980, ClinGen allele CA380684529.